The following is an entry in ClinVar:

ClinVar aggregate classification (germline): Uncertain significance (1 of 4 stars; one submission).

Allele frequency attached by ClinVar (database versions not stated): gnomAD exomes below 0.00001 and 0.00001; gnomAD 0.00001; TOPMed 0.00001.
gnomAD v4.1: 8 of 1,614,080 alleles (0.0005%); highest among the groups gnomAD compares: Non-Finnish European, 0.00068%; no homozygotes.

Submission:

Labcorp Genetics (formerly Invitae), Labcorp
Classification: Uncertain significance. Last evaluated: 2023-02-06. Review status: criteria provided, single submitter. Criteria: Invitae Variant Classification Sherloc (09022015). Collection method: clinical testing. Allele origin: germline.
Comment: This sequence change replaces histidine, which is basic and polar, with arginine, which is basic and polar, at codon 529 of the UMOD protein (p.His529Arg). This variant is present in population databases (no rsID available, gnomAD 0.002%). This variant has not been reported in the literature in individuals affected with UMOD-related conditions. ClinVar contains an entry for this variant (Variation ID: 1051888). Advanced modeling of protein sequence and biophysical properties (such as structural, functional, and spatial information, amino acid conservation, physicochemical variation, residue mobility, and thermodynamic stability) performed at Invitae indicates that this missense variant is not expected to disrupt UMOD protein function. Algorithms developed to predict the effect of sequence changes on RNA splicing suggest that this variant may create or strengthen a splice site. In summary, the available evidence is currently insufficient to determine the role of this variant in disease. Therefore, it has been classified as a Variant of Uncertain Significance.

NM_003361.4(UMOD):c.1586A>G (p.His529Arg)

Gene: UMOD (uromodulin; minus strand). Cytogenetic location: 16p12.3.
Variant type: single nucleotide variant.
Coding change: c.1586A>G on transcript NM_003361.4 (MANE Select); coding-DNA position 1586, A replaced by G.
Protein change: p.His529Arg; replaces histidine 529 with arginine.
Molecular consequence: missense variant. On other transcripts: non-coding transcript variant (1).
Genome position (GRCh38, 1-based): chr16:20,337,445, T>C on the plus strand (A>G on the coding strand, the complement: UMOD is on the minus strand). VCF-style: chr16-20337445-T-C. GRCh37 (hg19) VCF-style: chr16-20348767-T-C.
Other names: c.1586A>G, p.His529Arg (NM_001008389.3, NM_001378232.1, NM_001378233.1); c.1685A>G, p.His562Arg (NM_001278614.2); c.1727A>G, p.His576Arg (NM_001378234.1, NM_001378235.1); short protein forms H529R, H562R, H576R.
Identifiers: ClinVar variation 1051888 (VCV001051888.9), dbSNP rs1228942609, ClinGen allele CA394981221.